The following is an entry in ClinVar:

NM_005450.6(NOG):c.592G>A (p.Val198Met)

Gene: NOG (noggin; plus strand). Cytogenetic location: 17q22.
Variant type: single nucleotide variant.
Coding change: c.592G>A on transcript NM_005450.6 (MANE Select); coding-DNA position 592, G replaced by A.
Protein change: p.Val198Met; replaces valine 198 with methionine.
Molecular consequence: missense variant.
Genome position (GRCh38, 1-based): chr17:56,594,815, G>A. VCF-style: chr17-56594815-G-A. GRCh37 (hg19) VCF-style: chr17-54672176-G-A.
Other names: short protein forms V198M.
Identifiers: ClinVar variation 1995493 (VCV001995493.4), dbSNP rs763176857, ClinGen allele CA8663226.
Genomic context (GRCh38, chr17:56,594,815, plus strand): 5'-TGCTTCAGTAAGCGCTCGTGCTCCGTGCCCGAGGGCATGGTGTGCAAGCCGTCCAAGTCC[G>A]TGCACCTCACGGTGCTGCGGTGGCGCTGTCAGCGGCGCGGGGGCCAGCGCTGCGGCTGGA-3'
Protein context (NP_005441.1, residues 188-208): EGMVCKPSKS[Val198Met]HLTVLRWRCQ

ClinVar aggregate classification (germline): Uncertain significance (1 of 4 stars; one submission).

Allele frequency attached by ClinVar (database versions not stated): ExAC 0.00001.
gnomAD v4.1: 1 of 1,612,120 alleles (0.000062%); highest among the groups gnomAD compares: Non-Finnish European, 0.000085%; no homozygotes.

Submission:

Labcorp Genetics (formerly Invitae), Labcorp
Classification: Uncertain significance. Last evaluated: 2024-03-16. Review status: criteria provided, single submitter. Criteria: Invitae Variant Classification Sherloc (09022015). Collection method: clinical testing. Allele origin: germline.
Comment: This sequence change replaces valine, which is neutral and non-polar, with methionine, which is neutral and non-polar, at codon 198 of the NOG protein (p.Val198Met). This variant is present in population databases (rs763176857, gnomAD 0.0009%). This variant has not been reported in the literature in individuals affected with NOG-related conditions. ClinVar contains an entry for this variant (Variation ID: 1995493). An algorithm developed to predict the effect of missense changes on protein structure and function (PolyPhen-2) suggests that this variant is likely to be tolerated. In summary, the available evidence is currently insufficient to determine the role of this variant in disease. Therefore, it has been classified as a Variant of Uncertain Significance.